The following is an entry in ClinVar:

NM_005751.5(AKAP9):c.5058+2T>C

Genes: AKAP9 (A-kinase anchoring protein 9; plus strand), LOC121175350 (Sharpr-MPRA regulatory region 2641; plus strand). Cytogenetic location: 7q21.2.
Variant type: single nucleotide variant.
Coding change: c.5058+2T>C on transcript NM_005751.5 (MANE Select); the canonical splice donor site of the intron after coding-DNA position 5058, T replaced by C.
Molecular consequence: splice donor variant.
Genome position (GRCh38, 1-based): chr7:92,042,188, T>C. VCF-style: chr7-92042188-T-C. GRCh37 (hg19) VCF-style: chr7-91671502-T-C.
Other names: c.5058+2T>C (NM_147185.3, NM_005751.4).
Identifiers: ClinVar variation 1899257 (VCV001899257.6), dbSNP rs1212640163, ClinGen allele CA368130193.

ClinVar aggregate classification (germline): Uncertain significance. Review status: criteria provided, multiple submitters, no conflicts (2 of 4 stars). 2 submissions from 2 submitters: Uncertain significance (2). Last evaluated 2024-01-02.

Conditions:
Cardiovascular phenotype. Identifiers: MedGen CN230736.
Long QT syndrome (LQTS). Identifiers: MedGen C0023976, MeSH D008133, MONDO:0002442. Disease mechanism: loss of function. Inheritance: Various modes of inheritance.

Allele frequency attached by ClinVar (database versions not stated): gnomAD exomes below 0.00001; TOPMed below 0.00001.
gnomAD v4.1: 1 of 1,613,712 alleles (0.000062%); highest among the groups gnomAD compares: African/African-American, 0.0013%; no homozygotes.

Submissions (2):

Ambry Genetics
Classification: Uncertain significance for Cardiovascular phenotype. Last evaluated: 2024-01-02. Review status: criteria provided, single submitter. Criteria: Ambry Variant Classification Scheme 2023. Collection method: clinical testing. Allele origin: germline.
Comment: The c.5058+2T>C intronic variant results from a T to C substitution two nucleotides after coding exon 19 in the AKAP9 gene. This nucleotide position is highly conserved in available vertebrate species. In silico splice site analysis predicts that this alteration will weaken the native splice donor site and may result in the creation or strengthening of a novel splice donor site. The evidence for this gene-disease relationship is limited; therefore, the clinical significance of this alteration is unclear.

Labcorp Genetics (formerly Invitae), Labcorp
Classification: Uncertain significance for Long QT syndrome. Last evaluated: 2022-12-02. Review status: criteria provided, single submitter. Criteria: Invitae Variant Classification Sherloc (09022015). Collection method: clinical testing. Allele origin: germline.
Comment: Algorithms developed to predict the effect of sequence changes on RNA splicing suggest that this variant may disrupt the consensus splice site. This sequence change affects a donor splice site in intron 19 of the AKAP9 gene. It is expected to disrupt RNA splicing. Variants that disrupt the donor or acceptor splice site typically lead to a loss of protein function (PMID: 16199547), however the current clinical and genetic evidence is not sufficient to establish whether loss-of-function variants in AKAP9 cause disease. This variant is present in population databases (no rsID available, gnomAD 0.007%). This variant has not been reported in the literature in individuals affected with AKAP9-related conditions. In summary, the available evidence is currently insufficient to determine the role of this variant in disease. Therefore, it has been classified as a Variant of Uncertain Significance.

Literature cited by the submitters: PubMed 16199547 (cited by Labcorp Genetics (formerly Invitae), Labcorp).